The following is an entry in ClinVar:

ClinVar aggregate classification (germline): Uncertain significance (1 of 4 stars; one submission).

Submission:

Dasa
Classification: Uncertain significance. Last evaluated: 2024-10-04. Review status: criteria provided, single submitter. Criteria: DASA Assertion Criteria. Collection method: clinical testing. Allele origin: germline.
Comment: NM_001030001.4(RPS29):c.187C>T (p.His63Tyr) is a missense variant that results in the substitution of histidine with tyrosine. This variant is rare in population databases. Computational prediction algorithms are consistent with a benign effect. The currently available literature and clinical evidence are not sufficient to establish a definitive association between this variant and the reported condition. Therefore, this variant is classified as a variant of uncertain significance.

NM_001030001.4(RPS29):c.187C>T (p.His63Tyr)

Gene: RPS29 (ribosomal protein S29; minus strand). Cytogenetic location: 14q21.3.
Variant type: single nucleotide variant.
Coding change: c.187C>T on transcript NM_001030001.4; coding-DNA position 187, C replaced by T.
Protein change: p.His63Tyr; replaces histidine 63 with tyrosine.
Molecular consequence: missense variant.
Genome position (GRCh38, 1-based): chr14:49,577,829, G>A on the plus strand (C>T on the coding strand, the complement: RPS29 is on the minus strand). VCF-style: chr14-49577829-G-A. GRCh37 (hg19) VCF-style: chr14-50044547-G-A.
Other names: short protein forms H63Y.
Identifiers: ClinVar variation 4883025 (VCV004883025.2).
Genomic context (GRCh38, chr14:49,577,829, plus strand): 5'-TTCGCGAGCGGTCTCAGGATGGCCATGATGGAGGAGATGGGTGTCACCTCCATAGGCAGT[G>A]CCAAGGAAGACAGCTCAGGTCTTTCTGTAATGGTAAAAGAGGACCCATAAAAAGTGAAAA-3'